The following is an entry in ClinVar:

NM_058216.3(RAD51C):c.394del (p.Thr132fs)

Gene: RAD51C (RAD51 paralog C; plus strand). Cytogenetic location: 17q22.
Variant type: Deletion.
Coding change: c.394del on transcript NM_058216.3 (MANE Select); coding-DNA position 394, one base deleted (A; older notation c.394delA).
Protein change: p.Thr132fs; shifts the reading frame from threonine 132.
Molecular consequence: frameshift variant. On other transcripts: non-coding transcript variant (2).
Genome position (GRCh38, 1-based): chr17:58,695,179, A deleted; the last of 5 consecutive A bases (chr17:58,695,175-58,695,179); deleting any one gives the same sequence. VCF-style (leftmost placement, unchanged base first): chr17-58695174-GA-G. GRCh37 (hg19) VCF-style: chr17-56772535-GA-G.
Other names: c.394del, p.Thr132fs (NM_002876.4); short protein forms T132fs.
Identifiers: ClinVar variation 1455771 (VCV001455771.6), dbSNP rs730881940, ClinGen allele CA2573154411.

ClinVar aggregate classification (germline): Pathogenic (1 of 4 stars; one submission).

Conditions:
Fanconi anemia complementation group O. Also called: RAD51C-Related Fanconi Anemia. Identifiers: Orphanet 84, MedGen C3150653, MONDO:0013248, OMIM 613390.

Submission:

Labcorp Genetics (formerly Invitae), Labcorp
Classification: Pathogenic for Fanconi anemia complementation group O. Last evaluated: 2021-06-11. Review status: criteria provided, single submitter. Criteria: Invitae Variant Classification Sherloc (09022015). Collection method: clinical testing. Allele origin: germline.
Comment: For these reasons, this variant has been classified as Pathogenic. This variant has not been reported in the literature in individuals with RAD51C-related conditions. This variant is not present in population databases (ExAC no frequency). This sequence change creates a premature translational stop signal (p.Thr132Hisfs*9) in the RAD51C gene. It is expected to result in an absent or disrupted protein product. Loss-of-function variants in RAD51C are known to be pathogenic (PMID: 20400964, 21990120, 24800917).

Literature cited by the submitters: PubMed 20400964; PubMed 21990120; PubMed 24800917.